The following is an entry in ClinVar:

NM_000742.4(CHRNA2):c.376G>A (p.Asp126Asn)

Gene: CHRNA2 (cholinergic receptor nicotinic alpha 2 subunit; minus strand). Cytogenetic location: 8p21.2.
Variant type: single nucleotide variant.
Coding change: c.376G>A on transcript NM_000742.4 (MANE Select); coding-DNA position 376, G replaced by A.
Protein change: p.Asp126Asn; replaces aspartic acid 126 with asparagine.
Molecular consequence: missense variant. On other transcripts: 5 prime UTR variant (4).
Genome position (GRCh38, 1-based): chr8:27,467,302, C>T on the plus strand (G>A on the coding strand, the complement: CHRNA2 is on the minus strand). VCF-style: chr8-27467302-C-T. GRCh37 (hg19) VCF-style: chr8-27324819-C-T.
Other names: c.331G>A, p.Asp111Asn (NM_001282455.2); c.-97G>A (NM_001347705.2, NM_001347706.2); c.-83G>A (NM_001347707.2); c.-86G>A (NM_001347708.2); short protein forms D111N, D126N.
Identifiers: ClinVar variation 3699409 (VCV003699409.2).

ClinVar aggregate classification (germline): Uncertain significance (1 of 4 stars; one submission).

Conditions:
Familial sleep-related hypermotor epilepsy. Also called: Autosomal Dominant Sleep-Related Hypermotor (Hyperkinetic) Epilepsy. Identifiers: Orphanet 98784, MedGen C3696898, MONDO:0000030.

Submission:

Labcorp Genetics (formerly Invitae), Labcorp
Classification: Uncertain significance. Last evaluated: 2024-05-22. Review status: criteria provided, single submitter. Criteria: Invitae Variant Classification Sherloc (09022015). Collection method: clinical testing. Allele origin: germline.
Comment: This sequence change replaces aspartic acid, which is acidic and polar, with asparagine, which is neutral and polar, at codon 126 of the CHRNA2 protein (p.Asp126Asn). This variant is not present in population databases (gnomAD no frequency). This variant has not been reported in the literature in individuals affected with CHRNA2-related conditions. Advanced modeling of protein sequence and biophysical properties (such as structural, functional, and spatial information, amino acid conservation, physicochemical variation, residue mobility, and thermodynamic stability) performed at Invitae indicates that this missense variant is not expected to disrupt CHRNA2 protein function with a negative predictive value of 80%. In summary, the available evidence is currently insufficient to determine the role of this variant in disease. Therefore, it has been classified as a Variant of Uncertain Significance.